The following is an entry in ClinVar:

ClinVar aggregate classification (germline): Uncertain significance. Review status: criteria provided, multiple submitters, no conflicts (2 of 4 stars). 2 submissions from 2 submitters: Uncertain significance (2). Last evaluated 2025-01-27.

Conditions:
Primary dilated cardiomyopathy (DCM). Also called: Dilated Cardiomyopathy. Identifiers: Orphanet 217604, MedGen C0007193, MeSH D002311, MONDO:0005021, HP:0001644. Inheritance: Various modes of inheritance.
Charcot-Marie-Tooth disease type 2. Also called: Charcot-Marie-Tooth type 2. Identifiers: Orphanet 64746, MedGen C0270914, MONDO:0018993.

Submissions (2):

Labcorp Genetics (formerly Invitae), Labcorp
Classification: Uncertain significance for Charcot-Marie-Tooth disease type 2. Last evaluated: 2025-01-27. Review status: criteria provided, single submitter. Criteria: Invitae Variant Classification Sherloc (09022015). Collection method: clinical testing. Allele origin: germline.
Comment: This sequence change replaces aspartic acid, which is acidic and polar, with asparagine, which is neutral and polar, at codon 557 of the LMNA protein (p.Asp557Asn). This variant is not present in population databases (gnomAD no frequency). This variant has not been reported in the literature in individuals affected with LMNA-related conditions. ClinVar contains an entry for this variant (Variation ID: 3070214). Invitae Evidence Modeling of protein sequence and biophysical properties (such as structural, functional, and spatial information, amino acid conservation, physicochemical variation, residue mobility, and thermodynamic stability) indicates that this missense variant is expected to disrupt LMNA protein function with a positive predictive value of 95%. In summary, the available evidence is currently insufficient to determine the role of this variant in disease. Therefore, it has been classified as a Variant of Uncertain Significance.

All of Us Research Program, National Institutes of Health
Classification: Uncertain significance for Primary dilated cardiomyopathy. Last evaluated: 2024-06-09. Review status: criteria provided, single submitter. Criteria: ACMG Guidelines, 2015. Collection method: clinical testing. Allele origin: germline. Inheritance: Autosomal dominant inheritance. Observed: 2 variant alleles, 2 heterozygotes.
Comment: This missense variant replaces aspartic acid with asparagine at codon 557 of the LMNA protein. Computational prediction suggests that this variant may not impact protein structure and function (internally defined REVEL score threshold <= 0.5, PMID: 27666373). To our knowledge, functional studies have not been reported for this variant. This variant has not been reported in individuals affected with LMNA-related disorders in the literature. This variant has not been identified in the general population by the Genome Aggregation Database (gnomAD). The available evidence is insufficient to determine the role of this variant in disease conclusively. Therefore, this variant is classified as a Variant of Uncertain Significance.

This study involves interpretation of variants in research participants for the purpose of population health screening. Participant phenotype was not available at the time of variant classification. Additional details can be found in publication PMID: 35346344, PMCID: PMC8962531

NM_170707.4(LMNA):c.1669G>A (p.Asp557Asn)

Gene: LMNA (lamin A/C; plus strand). Cytogenetic location: 1q22.
Variant type: single nucleotide variant.
Coding change: c.1669G>A on transcript NM_170707.4 (MANE Select); coding-DNA position 1669, G replaced by A.
Protein change: p.Asp557Asn; replaces aspartic acid 557 with asparagine.
Molecular consequence: missense variant. On other transcripts: intron variant (1).
Genome position (GRCh38, 1-based): chr1:156,137,714, G>A. VCF-style: chr1-156137714-G-A. GRCh37 (hg19) VCF-style: chr1-156107505-G-A.
Other names: c.1333G>A, p.Asp445Asn (NM_001257374.3, NM_001406998.1, NM_001406989.1); c.1426G>A, p.Asp476Asn (NM_001282624.2, NM_001406986.1, NM_001406987.1); c.1669G>A, p.Asp557Asn (NM_001282625.2, NM_001282626.2, NM_001406983.1 and 5 more transcripts); c.1045G>A, p.Asp349Asn (NM_001406999.1, NM_001407000.1, NM_001407001.1 and 1 more transcripts); c.1111G>A, p.Asp371Asn (NM_001407002.1, NM_001407003.1, NM_001406990.1 and 4 more transcripts); c.1608+482G>A (NM_170708.4); c.1372G>A, p.Asp458Asn (NM_001406988.1); short protein forms D349N, D371N, D445N, D458N, D476N, D557N.
Identifiers: ClinVar variation 3070214 (VCV003070214.4), dbSNP rs1651789592, ClinGen allele CA342825675.